The following is an entry in ClinVar:

NM_001114753.3(ENG):c.185T>G (p.Leu62Arg)

Gene: ENG (endoglin; minus strand). Cytogenetic location: 9q34.11.
Variant type: single nucleotide variant.
Coding change: c.185T>G on transcript NM_001114753.3 (MANE Select); coding-DNA position 185, T replaced by G.
Protein change: p.Leu62Arg; replaces leucine 62 with arginine.
Molecular consequence: missense variant. On other transcripts: 5 prime UTR variant (1).
Genome position (GRCh38, 1-based): chr9:127,843,128, A>C on the plus strand (T>G on the coding strand, the complement: ENG is on the minus strand). VCF-style: chr9-127843128-A-C. GRCh37 (hg19) VCF-style: chr9-130605407-A-C.
Other names: c.185T>G, p.Leu62Arg (NM_000118.4, NM_001406715.1); c.-362T>G (NM_001278138.2); short protein forms L62R.
Identifiers: ClinVar variation 3705572 (VCV003705572.2).
Genomic context (GRCh38, chr9:127,843,128, plus strand): 5'-ACCCGACCCTGCCATGGGACACTCACCGTTGGGAACTCCAGGAAGAGGACATGGACTTCA[A>C]GGATGGCATTGGGGGCCTGAGCCACGCAGCCCTTCGAGACCTGGCTAGTGGTATATGTCA-3'
Protein context (NP_001108225.1, residues 52-72): GCVAQAPNAI[Leu62Arg]EVHVLFLEFP

ClinVar aggregate classification (germline): Uncertain significance (1 of 4 stars; one submission).

Conditions:
Hereditary hemorrhagic telangiectasia (HHT). Also called: ORW DISEASE; Osler Weber Rendu syndrome; OSLER-RENDU-WEBER DISEASE; Osler hemorrhagic telangiectasia syndrome. Identifiers: Orphanet 774, MedGen C0039445, MONDO:0019180. Disease mechanism: loss of function.

Submission:

Labcorp Genetics (formerly Invitae), Labcorp
Classification: Uncertain significance for Hereditary hemorrhagic telangiectasia. Last evaluated: 2024-04-14. Review status: criteria provided, single submitter. Criteria: Invitae Variant Classification Sherloc (09022015). Collection method: clinical testing. Allele origin: germline.
Comment: This sequence change replaces leucine, which is neutral and non-polar, with arginine, which is basic and polar, at codon 62 of the ENG protein (p.Leu62Arg). This variant is not present in population databases (gnomAD no frequency). This variant has not been reported in the literature in individuals affected with ENG-related conditions. Advanced modeling of protein sequence and biophysical properties (such as structural, functional, and spatial information, amino acid conservation, physicochemical variation, residue mobility, and thermodynamic stability) performed at Invitae indicates that this missense variant is not expected to disrupt ENG protein function with a negative predictive value of 95%. In summary, the available evidence is currently insufficient to determine the role of this variant in disease. Therefore, it has been classified as a Variant of Uncertain Significance.